The following is an entry in ClinVar:

ClinVar aggregate classification (germline): Likely benign. Review status: criteria provided, single submitter (1 of 4 stars). 2 submissions from 2 submitters: Likely benign (1). 1 of the submissions does not count toward it. Last evaluated 2018-11-05.

Conditions:
EPS8L3-related disorder. Also called: EPS8L3-related condition.

Allele frequency attached by ClinVar (database versions not stated): ESP Exome Variant Server 0.00008; gnomAD exomes 0.00019 and 0.00048; ExAC 0.00031; gnomAD 0.00066 and 0.00068; 1000 Genomes Project 0.00080; 1000 Genomes Project 30x 0.00109; TOPMed 0.00111.
gnomAD v4.1: 393 of 1,614,168 alleles (0.024%); highest among the groups gnomAD compares: Admixed American, 0.34%; 2 homozygotes.

Submissions (2):

Labcorp Genetics (formerly Invitae), Labcorp
Classification: Likely benign. Last evaluated: 2018-11-05. Review status: criteria provided, single submitter. Criteria: Invitae Variant Classification Sherloc (09022015). Collection method: clinical testing. Allele origin: germline.

PreventionGenetics, part of Exact Sciences
Classification: Likely benign for EPS8L3-related condition. Last evaluated: 2020-12-21. Review status: no assertion criteria provided. Collection method: clinical testing. Allele origin: germline. Not counted in ClinVar's aggregate classification.
Comment: This variant is classified as likely benign based on ACMG/AMP sequence variant interpretation guidelines (Richards et al. 2015 PMID: 25741868, with internal and published modifications).

NM_133181.4(EPS8L3):c.1666G>A (p.Gly556Arg)

Genes: EPS8L3 (EPS8 signaling adaptor L3; minus strand), LOC126805823 (BRD4-independent group 4 enhancer GRCh37_chr1:110293035-110294234; plus strand). Cytogenetic location: 1p13.3.
Variant type: single nucleotide variant.
Coding change: c.1666G>A on transcript NM_133181.4 (MANE Select); coding-DNA position 1666, G replaced by A.
Protein change: p.Gly556Arg; replaces glycine 556 with arginine.
Molecular consequence: missense variant.
Genome position (GRCh38, 1-based): chr1:109,750,764, C>T on the plus strand (G>A on the coding strand, the complement: EPS8L3 is on the minus strand). VCF-style: chr1-109750764-C-T. GRCh37 (hg19) VCF-style: chr1-110293386-C-T.
Other names: c.1477G>A, p.Gly493Arg (NM_001319952.2); c.1576G>A, p.Gly526Arg (NM_024526.4); c.1669G>A, p.Gly557Arg (NM_139053.3); short protein forms G493R, G556R, G526R, G557R.
Identifiers: ClinVar variation 713674 (VCV000713674.5), dbSNP rs148185176, ClinGen allele CA995198.